The following is an entry in ClinVar:

ClinVar aggregate classification (germline): Uncertain significance. Review status: criteria provided, multiple submitters, no conflicts (2 of 4 stars). 2 submissions from 2 submitters: Uncertain significance (2). Last evaluated 2025-04-07.

Conditions:
Inborn genetic diseases. Identifiers: MedGen C0950123, MeSH D030342.

Allele frequency attached by ClinVar (database versions not stated): gnomAD exomes below 0.00001; TOPMed 0.00001.
gnomAD v4.1: 2 of 1,613,974 alleles (0.00012%); highest among the groups gnomAD compares: Middle Eastern, 0.017%; no homozygotes.

Submissions (2):

Labcorp Genetics (formerly Invitae), Labcorp
Classification: Uncertain significance. Last evaluated: 2025-04-07. Review status: criteria provided, single submitter. Criteria: Invitae Variant Classification Sherloc (09022015). Collection method: clinical testing. Allele origin: germline.
Comment: This sequence change replaces threonine, which is neutral and polar, with alanine, which is neutral and non-polar, at codon 2555 of the FAT4 protein (p.Thr2555Ala). This variant is not present in population databases (gnomAD no frequency). This variant has not been reported in the literature in individuals affected with FAT4-related conditions. ClinVar contains an entry for this variant (Variation ID: 1958515). Invitae Evidence Modeling of protein sequence and biophysical properties (such as structural, functional, and spatial information, amino acid conservation, physicochemical variation, residue mobility, and thermodynamic stability) indicates that this missense variant is not expected to disrupt FAT4 protein function with a negative predictive value of 95%. In summary, the available evidence is currently insufficient to determine the role of this variant in disease. Therefore, it has been classified as a Variant of Uncertain Significance.

Ambry Genetics
Classification: Uncertain significance for Inborn genetic diseases. Last evaluated: 2024-03-21. Review status: criteria provided, single submitter. Criteria: Ambry Variant Classification Scheme 2023. Collection method: clinical testing. Allele origin: germline.

NM_001291303.3(FAT4):c.7669A>G (p.Thr2557Ala)

Gene: FAT4 (FAT atypical cadherin 4; plus strand). Cytogenetic location: 4q28.1.
Variant type: single nucleotide variant.
Coding change: c.7669A>G on transcript NM_001291303.3 (MANE Select); coding-DNA position 7669, A replaced by G.
Protein change: p.Thr2557Ala; replaces threonine 2557 with alanine.
Molecular consequence: missense variant.
Genome position (GRCh38, 1-based): chr4:125,448,679, A>G. VCF-style: chr4-125448679-A-G. GRCh37 (hg19) VCF-style: chr4-126369834-A-G.
Other names: c.7663A>G (NM_024582.4); c.7669A>G, p.Thr2557Ala (NM_001291285.3); c.7663A>G, p.Thr2555Ala (NM_024582.6); short protein forms T2555A, T2557A.
Identifiers: ClinVar variation 1958515 (VCV001958515.4), dbSNP rs1388028905, ClinGen allele CA358141045.